The following is an entry in ClinVar:

NM_001042475.3(CEP85L):c.659A>C (p.Lys220Thr)

Gene: CEP85L (centrosomal protein 85L; minus strand). Cytogenetic location: 6q22.31.
Variant type: single nucleotide variant.
Coding change: c.659A>C on transcript NM_001042475.3 (MANE Select); coding-DNA position 659, A replaced by C.
Protein change: p.Lys220Thr; replaces lysine 220 with threonine.
Molecular consequence: missense variant.
Genome position (GRCh38, 1-based): chr6:118,565,890, T>G on the plus strand (A>C on the coding strand, the complement: CEP85L is on the minus strand). VCF-style: chr6-118565890-T-G. GRCh37 (hg19) VCF-style: chr6-118887053-T-G.
Other names: c.668A>C, p.Lys223Thr (NM_001178035.2); c.659A>C, p.Lys220Thr (NM_206921.3); short protein forms K220T, K223T.
Identifiers: ClinVar variation 2312619 (VCV002312619.15), dbSNP rs148059317, ClinGen allele CA3978058.

ClinVar aggregate classification (germline): Likely benign. Review status: criteria provided, multiple submitters, no conflicts (2 of 4 stars). 2 submissions from 2 submitters: Likely benign (2). Last evaluated 2024-12-01.

Conditions:
Inborn genetic diseases. Identifiers: MedGen C0950123, MeSH D030342.

Allele frequency attached by ClinVar (database versions not stated): gnomAD 0.00025; ExAC 0.00026; TOPMed 0.00026; gnomAD exomes 0.00038; ESP Exome Variant Server 0.00046.
gnomAD v4.1: 592 of 1,614,024 alleles (0.037%); highest among the groups gnomAD compares: Non-Finnish European, 0.047%; 1 homozygote.

Submissions (2):

CeGaT Center for Human Genetics Tuebingen
Classification: Likely benign. Last evaluated: 2024-12-01. Review status: criteria provided, single submitter. Criteria: CeGaT Center For Human Genetics Tuebingen Variant Classification Criteria Version 2. Collection method: clinical testing. Allele origin: germline. Affected: yes. Observed: 1 variant allele.
Comment: CEP85L: BP4, BS2

Ambry Genetics
Classification: Likely benign for Inborn genetic diseases. Last evaluated: 2022-10-26. Review status: criteria provided, single submitter. Criteria: Ambry Variant Classification Scheme 2023. Collection method: clinical testing. Allele origin: germline.